The following is an entry in ClinVar:

NM_006397.3(RNASEH2A):c.127G>C (p.Gly43Arg)

Genes: RNASEH2A (ribonuclease H2 subunit A; plus strand), LOC117038795 (CRISPRi-FlowFISH-validated PRDX2 regulatory element 4; plus strand). Cytogenetic location: 19p13.13.
Variant type: single nucleotide variant.
Coding change: c.127G>C on transcript NM_006397.3 (MANE Select); coding-DNA position 127, G replaced by C.
Protein change: p.Gly43Arg; replaces glycine 43 with arginine.
Molecular consequence: missense variant.
Genome position (GRCh38, 1-based): chr19:12,806,800, G>C. VCF-style: chr19-12806800-G-C. GRCh37 (hg19) VCF-style: chr19-12917614-G-C.
Other names: short protein forms G43R.
Identifiers: ClinVar variation 958976 (VCV000958976.7), dbSNP rs1252576410, ClinGen allele CA404263684.

ClinVar aggregate classification (germline): Uncertain significance (1 of 4 stars; one submission).

Conditions:
Aicardi-Goutieres syndrome 4. Identifiers: Orphanet 51, MedGen C1835912, MONDO:0012472, OMIM 610333.

Allele frequency attached by ClinVar (database versions not stated): gnomAD exomes below 0.00001; TOPMed below 0.00001.

Submission:

Labcorp Genetics (formerly Invitae), Labcorp
Classification: Uncertain significance for Aicardi-Goutieres syndrome 4. Last evaluated: 2021-08-20. Review status: criteria provided, single submitter. Criteria: Invitae Variant Classification Sherloc (09022015). Collection method: clinical testing. Allele origin: germline.
Comment: This sequence change replaces glycine with arginine at codon 43 of the RNASEH2A protein (p.Gly43Arg). The glycine residue is highly conserved and there is a moderate physicochemical difference between glycine and arginine. This variant also falls at the last nucleotide of exon 1, which is part of the consensus splice site for this exon. This variant is not present in population databases (ExAC no frequency). This variant has not been reported in the literature in individuals affected with RNASEH2A-related conditions. Algorithms developed to predict the effect of missense changes on protein structure and function (SIFT, PolyPhen-2, Align-GVGD) all suggest that this variant is likely to be disruptive. Variants that disrupt the consensus splice site are a relatively common cause of aberrant splicing (PMID: 17576681, 9536098). Algorithms developed to predict the effect of sequence changes on RNA splicing suggest that this variant may disrupt the consensus splice site. In summary, the available evidence is currently insufficient to determine the role of this variant in disease. Therefore, it has been classified as a Variant of Uncertain Significance.

Literature cited by the submitters: PubMed 17576681; PubMed 9536098.